The following is an entry in ClinVar:

ClinVar aggregate classification (somatic clinical impact): Tier II - Potential (1 of 4 stars; one submission).

Conditions:
Medulloblastoma SHH activated. Identifiers: MedGen C4330671, MONDO:0850197.

Submission:

Institute for Genomic Medicine (IGM) Clinical Laboratory, Nationwide Children's Hospital
Classification: Tier II - Potential for Medulloblastoma SHH activated. Assertion type: diagnostic. Clinical significance: supports diagnosis. Last evaluated: 2024-07-11. Review status: criteria provided, single submitter. Criteria: AMP/ASCO/CAP Guidelines, 2017. Collection method: clinical testing. Allele origin: somatic. Affected: yes.
Comment: Variant has Tier II (potential) clinical significance as a diagnostic inclusion criterion in medulloblastoma SHH activated, based on the following evidence: 1) Assists in diagnosis alone or along with other biomarkers based on small studies or few case reports (Evidence Level D; PMIDs: 35505597, 35328068, 33503190, 32461620, 25998713).

Literature cited by the submitters: PubMed 35505597; PubMed 35328068; PubMed 33503190; PubMed 32461620; PubMed 25998713.

NM_001197104.2(KMT2A):c.7312G>T (p.Glu2438Ter)

Gene: KMT2A (lysine methyltransferase 2A; plus strand). Cytogenetic location: 11q23.3.
Variant type: single nucleotide variant.
Coding change: c.7312G>T on transcript NM_001197104.2 (MANE Select); coding-DNA position 7312, G replaced by T.
Protein change: p.Glu2438Ter; replaces glutamic acid 2438 with a stop codon.
Molecular consequence: nonsense.
Genome position (GRCh38, 1-based): chr11:118,503,204, G>T. VCF-style: chr11-118503204-G-T. GRCh37 (hg19) VCF-style: chr11-118373919-G-T.
Other names: c.7402G>T, p.Glu2468Ter (NM_001412597.1); c.7303G>T, p.Glu2435Ter (NM_005933.4); short protein forms E2435*, E2438*, E2468*.
Identifiers: ClinVar variation 4530495 (VCV004530495.1).